The following is an entry in ClinVar:

NM_020812.4(DOCK6):c.6061C>T (p.Arg2021Cys)

Gene: DOCK6 (dedicator of cytokinesis 6; minus strand). Cytogenetic location: 19p13.2.
Variant type: single nucleotide variant.
Coding change: c.6061C>T on transcript NM_020812.4 (MANE Select); coding-DNA position 6061, C replaced by T.
Protein change: p.Arg2021Cys; replaces arginine 2021 with cysteine.
Molecular consequence: missense variant.
Genome position (GRCh38, 1-based): chr19:11,200,348, G>A on the plus strand (C>T on the coding strand, the complement: DOCK6 is on the minus strand). VCF-style: chr19-11200348-G-A. GRCh37 (hg19) VCF-style: chr19-11311024-G-A.
Other names: c.6166C>T, p.Arg2056Cys (NM_001367830.1); short protein forms R2021C, R2056C.
Identifiers: ClinVar variation 1522754 (VCV001522754.3), dbSNP rs1441187471, ClinGen allele CA404068842.

ClinVar aggregate classification (germline): Uncertain significance (1 of 4 stars; one submission).

Allele frequency attached by ClinVar (database versions not stated): gnomAD 0.00001; TOPMed 0.00001.
gnomAD v4.1: 7 of 1,579,114 alleles (0.00044%); highest among the groups gnomAD compares: Admixed American, 0.0018%; no homozygotes.

Submission:

Labcorp Genetics (formerly Invitae), Labcorp
Classification: Uncertain significance. Last evaluated: 2022-07-19. Review status: criteria provided, single submitter. Criteria: Invitae Variant Classification Sherloc (09022015). Collection method: clinical testing. Allele origin: germline.
Comment: This sequence change replaces arginine, which is basic and polar, with cysteine, which is neutral and slightly polar, at codon 2021 of the DOCK6 protein (p.Arg2021Cys). This variant is not present in population databases (gnomAD no frequency). This variant has not been reported in the literature in individuals affected with DOCK6-related conditions. ClinVar contains an entry for this variant (Variation ID: 1522754). Algorithms developed to predict the effect of missense changes on protein structure and function are either unavailable or do not agree on the potential impact of this missense change (SIFT: "Deleterious"; PolyPhen-2: "Possibly Damaging"; Align-GVGD: "Class C0"). In summary, the available evidence is currently insufficient to determine the role of this variant in disease. Therefore, it has been classified as a Variant of Uncertain Significance.